The following is an entry in ClinVar:

NM_004523.4(KIF11):c.1305G>A (p.Arg435=)

Gene: KIF11 (kinesin family member 11; plus strand). Cytogenetic location: 10q23.33.
Variant type: single nucleotide variant.
Coding change: c.1305G>A on transcript NM_004523.4 (MANE Select); coding-DNA position 1305, G replaced by A.
Protein change: p.Arg435=; no amino-acid change (arginine 435 retained).
Molecular consequence: synonymous variant.
Genome position (GRCh38, 1-based): chr10:92,628,895, G>A. VCF-style: chr10-92628895-G-A. GRCh37 (hg19) VCF-style: chr10-94388652-G-A.
Identifiers: ClinVar variation 435610 (VCV000435610.7), dbSNP rs1554861552, ClinGen allele CA470784131.
Genomic context (GRCh38, chr10:92,628,895, plus strand): 5'-AGAAGAGCAGATTGTAGAATTGATTGAAAAAATTGGTGCTGTTGAGGAGGAGCTGAATAG[G>A]GTAAGCACTTAAAATGATATTTACTGTTATGTGAAAAGCAAATATTGAAAGAAAATTTTA-3'
Protein context (NP_004514.2, residues 425-445): KIGAVEEELN[Arg435=]VTELFMDNKN

ClinVar aggregate classification (germline): Uncertain significance. Review status: criteria provided, multiple submitters, no conflicts (2 of 4 stars). 2 submissions from 2 submitters: Uncertain significance (2). Last evaluated 2025-06-12.

Submissions (2):

Labcorp Genetics (formerly Invitae), Labcorp
Classification: Uncertain significance. Last evaluated: 2025-06-12. Review status: criteria provided, single submitter. Criteria: Invitae Variant Classification Sherloc (09022015). Collection method: clinical testing. Allele origin: germline.
Comment: This sequence change affects codon 435 of the KIF11 mRNA. It is a 'silent' change, meaning that it does not change the encoded amino acid sequence of the KIF11 protein. This variant also falls at the last nucleotide of exon 11, which is part of the consensus splice site for this exon. This variant is not present in population databases (gnomAD no frequency). This variant has not been reported in the literature in individuals affected with KIF11-related conditions. ClinVar contains an entry for this variant (Variation ID: 435610). Variants that disrupt the consensus splice site are a relatively common cause of aberrant splicing (PMID: 17576681, 9536098). Algorithms developed to predict the effect of sequence changes on RNA splicing suggest that this variant is not likely to affect RNA splicing. In summary, the available evidence is currently insufficient to determine the role of this variant in disease. Therefore, it has been classified as a Variant of Uncertain Significance.

Genetic Services Laboratory, University of Chicago
Classification: Uncertain significance. Last evaluated: 2017-02-17. Review status: criteria provided, single submitter. Criteria: ACMG Guidelines, 2015. Collection method: clinical testing. Allele origin: germline. Affected: no.

Literature cited by the submitters: PubMed 17576681 (cited by Labcorp Genetics (formerly Invitae), Labcorp); PubMed 9536098 (cited by Labcorp Genetics (formerly Invitae), Labcorp).